The following is an entry in ClinVar:

ClinVar aggregate classification (germline): Pathogenic (1 of 4 stars; one submission).

Submission:

GeneDx
Classification: Pathogenic. Last evaluated: 2017-05-30. Review status: criteria provided, single submitter. Criteria: GeneDx Variant Classification (06012015). Collection method: clinical testing. Allele origin: germline. Affected: yes.
Comment: The S324X pathogenic variant in the SLC20A2 gene has not been reported previously as a pathogenic variant nor as a benign variant, to our knowledge. This variant is predicted to cause loss of normal protein function either through protein truncation or nonsense-mediated mRNA decay. The S324X variant was not observed in approximately 6500 individuals of European and African American ancestry in the NHLBI Exome Sequencing Project, indicating it is not a common benign variant in these populations. We interpret S324X as a pathogenic variant.

NM_001257180.2(SLC20A2):c.971C>A (p.Ser324Ter)

Gene: SLC20A2 (solute carrier family 20 member 2; minus strand). Cytogenetic location: 8p11.21.
Variant type: single nucleotide variant.
Coding change: c.971C>A on transcript NM_001257180.2 (MANE Select); coding-DNA position 971, C replaced by A.
Protein change: p.Ser324Ter; replaces serine 324 with a stop codon.
Molecular consequence: nonsense.
Genome position (GRCh38, 1-based): chr8:42,437,541, G>T on the plus strand (C>A on the coding strand, the complement: SLC20A2 is on the minus strand). VCF-style: chr8-42437541-G-T. GRCh37 (hg19) VCF-style: chr8-42295059-G-T.
Other names: c.971C>A, p.Ser324Ter (NM_001257181.2, NM_006749.5); short protein forms S324*.
Identifiers: ClinVar variation 280572 (VCV000280572.2), dbSNP rs886041752, ClinGen allele CA10603061.